The following is an entry in ClinVar:

NM_001382567.1(STIM1):c.1285C>T (p.Arg429Cys)

Gene: STIM1 (stromal interaction molecule 1; plus strand). Cytogenetic location: 11p15.4.
Variant type: single nucleotide variant.
Coding change: c.1285C>T on transcript NM_001382567.1 (MANE Select); coding-DNA position 1285, C replaced by T.
Protein change: p.Arg429Cys; replaces arginine 429 with cysteine.
Molecular consequence: missense variant. On other transcripts: non-coding transcript variant (2).
Genome position (GRCh38, 1-based): chr11:4,083,309, C>T. VCF-style: chr11-4083309-C-T. GRCh37 (hg19) VCF-style: chr11-4104539-C-T.
Other names: c.1285C>T, p.Arg429Cys (NM_001277961.3, NM_001277962.2, NM_003156.4); c.1063C>T, p.Arg355Cys (NM_001382566.1, NM_001382573.1, NM_001382575.1 and 4 more transcripts); c.1306C>T, p.Arg436Cys (NM_001382568.1); c.1150C>T, p.Arg384Cys (NM_001382569.1); c.1057C>T, p.Arg353Cys (NM_001382570.1); c.805C>T, p.Arg269Cys (NM_001382571.1); c.796C>T, p.Arg266Cys (NM_001382580.1, NM_001382581.1); short protein forms R429C, R266C, R269C, R353C, R355C, R384C, R436C.
Identifiers: ClinVar variation 41464 (VCV000041464.11), dbSNP rs397514671, ClinGen allele CA130849.
Genomic context (GRCh38, chr11:4,083,309, plus strand): 5'-TCCTCTGTCTTCAGGCAAGCACTGAGCGAGGTGACAGCAGCATTGCGGGAGCGCCTGCAC[C>T]GCTGGCAACAGATCGAGATCCTCTGTGGCTTCCAGATTGTCAACAACCCTGGCATCCACT-3'
Protein context (NP_001369496.1, residues 419-439): VTAALRERLH[Arg429Cys]WQQIEILCGF

ClinVar aggregate classification (germline): Pathogenic. Review status: criteria provided, single submitter (1 of 4 stars). 2 submissions from 2 submitters: Pathogenic (1). 1 of the submissions does not count toward it. Last evaluated 2024-04-23.

Conditions:
Stormorken syndrome (STRMK). Also called: THROMBOCYTOPATHY, ASPLENIA, AND MIOSIS. Identifiers: Orphanet 3204, MedGen C1861451, MONDO:0008497, OMIM 185070.
Myopathy with tubular aggregates (TAM). Also called: Tubular Aggregate Myopathy. Identifiers: Orphanet 2593, MedGen C0410207, MONDO:0008051.
Combined immunodeficiency due to STIM1 deficiency. Also called: STIM1 DEFICIENCY; IMMUNODEFICIENCY 10. Identifiers: Orphanet 169090, Orphanet 317430, MedGen C2748557, MONDO:0013008, OMIM 612783.

Allele frequency attached by ClinVar (database versions not stated): gnomAD exomes below 0.00001; ExAC 0.00001; TOPMed 0.00001.
gnomAD v4.1: 6 of 1,614,250 alleles (0.00037%); highest among the groups gnomAD compares: African/African-American, 0.0013%; no homozygotes.

Submissions (2):

Labcorp Genetics (formerly Invitae), Labcorp
Classification: Pathogenic for Myopathy with tubular aggregates; Combined immunodeficiency due to STIM1 deficiency; Stormorken syndrome. Last evaluated: 2024-04-23. Review status: criteria provided, single submitter. Criteria: Invitae Variant Classification Sherloc (09022015). Collection method: clinical testing. Allele origin: germline.
Comment: This sequence change replaces arginine, which is basic and polar, with cysteine, which is neutral and slightly polar, at codon 429 of the STIM1 protein (p.Arg429Cys). This variant is present in population databases (rs397514671, gnomAD 0.007%). This missense change has been observed in individuals with autosomal recessive STIM1 deficiency (PMID: 22190180, 33628209). It has also been observed to segregate with disease in related individuals. ClinVar contains an entry for this variant (Variation ID: 41464). Advanced modeling of protein sequence and biophysical properties (such as structural, functional, and spatial information, amino acid conservation, physicochemical variation, residue mobility, and thermodynamic stability) has been performed at Invitae for this missense variant, however the output from this modeling did not meet the statistical confidence thresholds required to predict the impact of this variant on STIM1 protein function. Experimental studies have shown that this missense change affects STIM1 function (PMID: 25918394, 31844136, 32098964). For these reasons, this variant has been classified as Pathogenic.

OMIM
Classification: Pathogenic for IMMUNODEFICIENCY 10. Last evaluated: 2012-02-01. Review status: no assertion criteria provided. Collection method: literature only. Allele origin: germline. Not counted in ClinVar's aggregate classification.

Literature cited by the submitters: PubMed 22190180 (cited by Labcorp Genetics (formerly Invitae), Labcorp and OMIM); PubMed 33628209 (cited by Labcorp Genetics (formerly Invitae), Labcorp); PubMed 25918394 (cited by Labcorp Genetics (formerly Invitae), Labcorp); PubMed 31844136 (cited by Labcorp Genetics (formerly Invitae), Labcorp); PubMed 32098964 (cited by Labcorp Genetics (formerly Invitae), Labcorp).